The following is an entry in ClinVar:

NM_018475.5(TMEM165):c.724A>T (p.Thr242Ser)

Gene: TMEM165 (transmembrane protein 165; plus strand). Cytogenetic location: 4q12.
Variant type: single nucleotide variant.
Coding change: c.724A>T on transcript NM_018475.5 (MANE Select); coding-DNA position 724, A replaced by T.
Protein change: p.Thr242Ser; replaces threonine 242 with serine.
Molecular consequence: missense variant. On other transcripts: non-coding transcript variant (1).
Genome position (GRCh38, 1-based): chr4:55,417,917, A>T. VCF-style: chr4-55417917-A-T. GRCh37 (hg19) VCF-style: chr4-56284084-A-T.
Other names: short protein forms T242S.
Identifiers: ClinVar variation 2055817 (VCV002055817.3), dbSNP rs766781454, ClinGen allele CA2925572.

ClinVar aggregate classification (germline): Uncertain significance (1 of 4 stars; one submission).

Conditions:
TMEM165-congenital disorder of glycosylation. Also called: Congenital disorder of glycosylation type 2k; CDG IIk; TMEM165-CDG. Identifiers: Orphanet 314667, MedGen C3553571, MONDO:0013870, OMIM 614727.

Allele frequency attached by ClinVar (database versions not stated): gnomAD exomes 0.00001; gnomAD 0.00003; TOPMed 0.00005; ExAC 0.00006.
gnomAD v4.1: 27 of 1,614,046 alleles (0.0017%); highest among the groups gnomAD compares: East Asian, 0.053%; 1 homozygote.

Submission:

Labcorp Genetics (formerly Invitae), Labcorp
Classification: Uncertain significance for TMEM165-congenital disorder of glycosylation. Last evaluated: 2025-06-23. Review status: criteria provided, single submitter. Criteria: Invitae Variant Classification Sherloc (09022015). Collection method: clinical testing. Allele origin: germline.
Comment: This sequence change replaces threonine, which is neutral and polar, with serine, which is neutral and polar, at codon 242 of the TMEM165 protein (p.Thr242Ser). This variant is present in population databases (rs766781454, gnomAD 0.1%). This variant has not been reported in the literature in individuals affected with TMEM165-related conditions. ClinVar contains an entry for this variant (Variation ID: 2055817). Invitae Evidence Modeling of protein sequence and biophysical properties (such as structural, functional, and spatial information, amino acid conservation, physicochemical variation, residue mobility, and thermodynamic stability) indicates that this missense variant is not expected to disrupt TMEM165 protein function with a negative predictive value of 80%. In summary, the available evidence is currently insufficient to determine the role of this variant in disease. Therefore, it has been classified as a Variant of Uncertain Significance.